The following is an entry in ClinVar:

NM_000780.4(CYP7A1):c.379G>A (p.Asp127Asn)

Gene: CYP7A1 (cytochrome P450 family 7 subfamily A member 1; minus strand). Cytogenetic location: 8q12.1.
Variant type: single nucleotide variant.
Coding change: c.379G>A on transcript NM_000780.4 (MANE Select); coding-DNA position 379, G replaced by A.
Protein change: p.Asp127Asn; replaces aspartic acid 127 with asparagine.
Molecular consequence: missense variant.
Genome position (GRCh38, 1-based): chr8:58,497,133, C>T on the plus strand (G>A on the coding strand, the complement: CYP7A1 is on the minus strand). VCF-style: chr8-58497133-C-T. GRCh37 (hg19) VCF-style: chr8-59409692-C-T.
Other names: short protein forms D127N.
Identifiers: ClinVar variation 3029811 (VCV003029811.2), dbSNP rs1391016723, ClinGen allele CA371294791.

ClinVar aggregate classification (germline): Uncertain significance (0 of 4 stars; one submission).

Conditions:
CYP7A1-related disorder. Also called: CYP7A1-related condition.

Allele frequency attached by ClinVar (database versions not stated): gnomAD exomes below 0.00001; TOPMed 0.00001.
gnomAD v4.1: 4 of 1,599,730 alleles (0.00025%); highest among the groups gnomAD compares: Admixed American, 0.0033%; no homozygotes.

Submission:

PreventionGenetics, part of Exact Sciences
Classification: Uncertain significance for CYP7A1-related condition. Last evaluated: 2023-10-25. Review status: no assertion criteria provided. Collection method: clinical testing. Allele origin: germline.
Comment: The CYP7A1 c.379G>A variant is predicted to result in the amino acid substitution p.Asp127Asn. To our knowledge, this variant has not been reported in the literature. This variant is reported in 0.0029% of alleles in individuals of Latino descent in gnomAD. At this time, the clinical significance of this variant is uncertain due to the absence of conclusive functional and genetic evidence.